The following is an entry in ClinVar:

ClinVar aggregate classification (germline): Uncertain significance (1 of 4 stars; one submission).

gnomAD v4.1: 2 of 1,211,489 alleles (0.00017%); highest among the groups gnomAD compares: Non-Finnish European, 0.00022%; no homozygotes.

Submission:

Women's Health and Genetics/Laboratory Corporation of America, LabCorp
Classification: Uncertain significance. Last evaluated: 2024-12-11. Review status: criteria provided, single submitter. Criteria: LabCorp Variant Classification Summary - May 2015. Collection method: clinical testing. Allele origin: germline.
Comment: Variant summary: DMD c.10147A>G (p.Lys3383Glu) results in a conservative amino acid change in the encoded protein sequence. Three of five in-silico tools predict a damaging effect of the variant on protein function. The variant was absent in 181747 control chromosomes. The available data on variant occurrences in the general population are insufficient to allow any conclusion about variant significance. To our knowledge, no occurrence of c.10147A>G in individuals affected with Duchenne Muscular Dystrophy and no experimental evidence demonstrating its impact on protein function have been reported. No submitters have cited clinical-significance assessments for this variant to ClinVar. Based on the evidence outlined above, the variant was classified as uncertain significance.

NM_004006.3(DMD):c.10147A>G (p.Lys3383Glu)

Gene: DMD (dystrophin; minus strand). Cytogenetic location: Xp21.2.
Variant type: single nucleotide variant.
Coding change: c.10147A>G on transcript NM_004006.3 (MANE Select); coding-DNA position 10147, A replaced by G.
Protein change: p.Lys3383Glu; replaces lysine 3383 with glutamic acid.
Molecular consequence: missense variant.
Genome position (GRCh38, 1-based): chrX:31,178,745, T>C on the plus strand (A>G on the coding strand, the complement: DMD is on the minus strand). VCF-style: chrX-31178745-T-C. GRCh37 (hg19) VCF-style: chrX-31196862-T-C.
Other names: c.10123A>G, p.Lys3375Glu (NM_000109.4); c.10135A>G, p.Lys3379Glu (NM_004009.3); c.9778A>G, p.Lys3260Glu (NM_004010.3); c.6124A>G, p.Lys2042Glu (NM_004011.4); c.6115A>G, p.Lys2039Glu (NM_004012.4); c.2767A>G, p.Lys923Glu (NM_004013.3, NM_004020.4, NM_004021.3 and 2 more transcripts); c.1960A>G, p.Lys654Glu (NM_004014.3); c.943A>G, p.Lys315Glu (NM_004015.3, NM_004016.3, NM_004017.3 and 2 more transcripts); short protein forms K2039E, K2042E, K315E, K3260E, K3375E, K3379E, K3383E, K654E.
Identifiers: ClinVar variation 3768108 (VCV003768108.1).